The following is an entry in ClinVar:

ClinVar aggregate classification (germline): Likely benign (0 of 4 stars; one submission).

Conditions:
UNC13A-related disorder. Also called: UNC13A-related condition.

Allele frequency attached by ClinVar (database versions not stated): TOPMed 0.00004; gnomAD 0.00005; ExAC 0.00009.
gnomAD v4.1: 93 of 1,552,106 alleles (0.006%); highest among the groups gnomAD compares: Non-Finnish European, 0.0076%; no homozygotes.

Submission:

PreventionGenetics, part of Exact Sciences
Classification: Likely benign for UNC13A-related condition. Last evaluated: 2024-08-27. Review status: no assertion criteria provided. Collection method: clinical testing. Allele origin: germline.
Comment: This variant is classified as likely benign based on ACMG/AMP sequence variant interpretation guidelines (Richards et al. 2015 PMID: 25741868, with internal and published modifications).

NM_001080421.3(UNC13A):c.948C>A (p.Arg316=)

Gene: UNC13A (unc-13 homolog A; minus strand). Cytogenetic location: 19p13.11.
Variant type: single nucleotide variant.
Coding change: c.948C>A on transcript NM_001080421.3 (MANE Select); coding-DNA position 948, C replaced by A.
Protein change: p.Arg316=; no amino-acid change (arginine 316 retained).
Molecular consequence: synonymous variant.
Genome position (GRCh38, 1-based): chr19:17,656,218, G>T on the plus strand (C>A on the coding strand, the complement: UNC13A is on the minus strand). VCF-style: chr19-17656218-G-T. GRCh37 (hg19) VCF-style: chr19-17767027-G-T.
Other names: c.948C>A, p.Arg316= (NM_001387021.1, NM_001387022.1, NM_001387023.1).
Identifiers: ClinVar variation 3033489 (VCV003033489.2), dbSNP rs764955561, ClinGen allele CA9298628.